The following is an entry in ClinVar:

NM_015168.2(ZC3H4):c.3476A>G (p.Lys1159Arg)

Gene: ZC3H4 (zinc finger CCCH-type containing 4; minus strand). Cytogenetic location: 19q13.32.
Variant type: single nucleotide variant.
Coding change: c.3476A>G on transcript NM_015168.2 (MANE Select); coding-DNA position 3476, A replaced by G.
Protein change: p.Lys1159Arg; replaces lysine 1159 with arginine.
Molecular consequence: missense variant.
Genome position (GRCh38, 1-based): chr19:47,066,792, T>C on the plus strand (A>G on the coding strand, the complement: ZC3H4 is on the minus strand). VCF-style: chr19-47066792-T-C. GRCh37 (hg19) VCF-style: chr19-47570049-T-C.
Other names: short protein forms K1159R.
Identifiers: ClinVar variation 4998037 (VCV004998037.1).

ClinVar aggregate classification (germline): Uncertain significance (1 of 4 stars; one submission).

Conditions:
ZC3H4-related disorder. Also called: ZC3H4-related condition.

Submission:

PreventionGenetics, part of Exact Sciences
Classification: Uncertain significance for ZC3H4-related condition. Last evaluated: 2024-12-26. Review status: criteria provided, single submitter. Criteria: ACMG Guidelines, 2015. Collection method: clinical testing. Allele origin: germline.
Comment: The ZC3H4 c.3476A>G variant is predicted to result in the amino acid substitution p.Lys1159Arg. To our knowledge, this variant has not been reported in the literature or in a large population database (gnomAD), indicating this variant is rare. At this time, the clinical significance of this variant is uncertain due to the absence of conclusive functional and genetic evidence.